The following is an entry in ClinVar:

ClinVar aggregate classification (germline): Pathogenic (1 of 4 stars; one submission).

Conditions:
Hereditary cancer-predisposing syndrome. Also called: Neoplastic Syndromes, Hereditary; Tumor predisposition; Hereditary Cancer Syndrome; Hereditary neoplastic syndrome. Identifiers: Orphanet 140162, MedGen C0027672, MeSH D009386, MONDO:0015356.

Submission:

Color Diagnostics, LLC DBA Color Health
Classification: Pathogenic for Hereditary cancer-predisposing syndrome. Last evaluated: 2020-01-15. Review status: criteria provided, single submitter. Criteria: ACMG Guidelines, 2015. Collection method: clinical testing. Allele origin: germline.
Comment: This variant deletes 1 nucleotide in exon 11 of the BMPR1A gene, creating a frameshift and premature translation stop signal. This variant is expected to result in an absent or non-functional protein product. This variant has not been identified in the general population by the Genome Aggregation Database (gnomAD). Loss of BMPR1A function is a known mechanism of disease. Based on the available evidence, this variant is classified as Pathogenic.

NM_004329.3(BMPR1A):c.1183del (p.Asp395fs)

Gene: BMPR1A (bone morphogenetic protein receptor type 1A; plus strand). Cytogenetic location: 10q23.2.
Variant type: Deletion.
Coding change: c.1183del on transcript NM_004329.3 (MANE Select); coding-DNA position 1183, one base deleted (G; older notation c.1183delG).
Protein change: p.Asp395fs; shifts the reading frame from aspartic acid 395.
Molecular consequence: frameshift variant.
Genome position (GRCh38, 1-based): chr10:86,921,536, G deleted. VCF-style (leftmost placement, unchanged base first): chr10-86921535-TG-T. GRCh37 (hg19) VCF-style: chr10-88681292-TG-T.
Other names: short protein forms D395fs.
Identifiers: ClinVar variation 924668 (VCV000924668.3), dbSNP rs1843664957, ClinGen allele CA913188307.
Genomic context (GRCh38, chr10:86,921,535, plus strand): 5'-TTATTTTTGGCCCTCAACTTGGACCTTGGCTTTCTTTTGTTTCAGTGACACAAATGAAGT[TG>T]ATGTGCCCTTGAATACCAGGGTGGGCACCAAACGCTACATGGCTCCCGAAGTGCTGGACG-3'